The following is an entry in ClinVar:

ClinVar aggregate classification (germline): Uncertain significance (1 of 4 stars; one submission).

Allele frequency attached by ClinVar (database versions not stated): gnomAD exomes below 0.00001; TOPMed 0.00001.

Submission:

Labcorp Genetics (formerly Invitae), Labcorp
Classification: Uncertain significance. Last evaluated: 2021-12-09. Review status: criteria provided, single submitter. Criteria: Invitae Variant Classification Sherloc (09022015). Collection method: clinical testing. Allele origin: germline.
Comment: This variant is not present in population databases (gnomAD no frequency). This variant has not been reported in the literature in individuals affected with CXCR2-related conditions. Algorithms developed to predict the effect of missense changes on protein structure and function output the following: SIFT: "Tolerated"; PolyPhen-2: "Probably Damaging"; Align-GVGD: "Class C0". The asparagine amino acid residue is found in multiple mammalian species, which suggests that this missense change does not adversely affect protein function. In summary, the available evidence is currently insufficient to determine the role of this variant in disease. Therefore, it has been classified as a Variant of Uncertain Significance. This sequence change replaces serine, which is neutral and polar, with asparagine, which is neutral and polar, at codon 62 of the CXCR2 protein (p.Ser62Asn).

NM_001557.4(CXCR2):c.185G>A (p.Ser62Asn)

Gene: CXCR2 (C-X-C motif chemokine receptor 2; plus strand). Cytogenetic location: 2q35.
Variant type: single nucleotide variant.
Coding change: c.185G>A on transcript NM_001557.4 (MANE Select); coding-DNA position 185, G replaced by A.
Protein change: p.Ser62Asn; replaces serine 62 with asparagine.
Molecular consequence: missense variant.
Genome position (GRCh38, 1-based): chr2:218,134,986, G>A. VCF-style: chr2-218134986-G-A. GRCh37 (hg19) VCF-style: chr2-218999709-G-A.
Other names: c.185G>A, p.Ser62Asn (NM_001168298.2); short protein forms S62N.
Identifiers: ClinVar variation 1967499 (VCV001967499.4), dbSNP rs1294172370, ClinGen allele CA350528659.